The following is an entry in ClinVar:

NM_003995.4(NPR2):c.2351G>A (p.Gly784Asp)

Gene: NPR2 (natriuretic peptide receptor 2; plus strand). Cytogenetic location: 9p13.3.
Variant type: single nucleotide variant.
Coding change: c.2351G>A on transcript NM_003995.4 (MANE Select); coding-DNA position 2351, G replaced by A.
Protein change: p.Gly784Asp; replaces glycine 784 with aspartic acid.
Molecular consequence: missense variant.
Genome position (GRCh38, 1-based): chr9:35,806,212, G>A. VCF-style: chr9-35806212-G-A. GRCh37 (hg19) VCF-style: chr9-35806209-G-A.
Other names: short protein forms G784D.
Identifiers: ClinVar variation 913005 (VCV000913005.11), dbSNP rs771399009, ClinGen allele CA5051945.

ClinVar aggregate classification (germline): Uncertain significance. Review status: criteria provided, multiple submitters, no conflicts (2 of 4 stars). 3 submissions from 3 submitters: Uncertain significance (3). Last evaluated 2025-05-07.

Conditions:
Acromesomelic dysplasia 1, Maroteaux type (AMD1). Also called: ST. HELENA DYSPLASIA; ACROMESOMELIC DYSPLASIA 1. Identifiers: Orphanet 40, MedGen C1864356, MONDO:0011275, OMIM 602875.
Tall stature-scoliosis-macrodactyly of the great toes syndrome. Also called: Epiphyseal chondrodysplasia, miura type. Identifiers: Orphanet 329191, MedGen C4014690, MONDO:0014401, OMIM 615923.
Inborn genetic diseases. Identifiers: MedGen C0950123, MeSH D030342.

Allele frequency attached by ClinVar (database versions not stated): gnomAD 0.00001; gnomAD exomes 0.00001 and 0.00006; TOPMed 0.00003; ExAC 0.00008.

Submissions (3):

Ambry Genetics
Classification: Uncertain significance for Inborn genetic diseases. Last evaluated: 2025-05-07. Review status: criteria provided, single submitter. Criteria: Ambry Variant Classification Scheme 2023. Collection method: clinical testing. Allele origin: germline.

Labcorp Genetics (formerly Invitae), Labcorp
Classification: Uncertain significance for Tall stature-scoliosis-macrodactyly of the great toes syndrome; Acromesomelic dysplasia 1, Maroteaux type. Last evaluated: 2023-11-27. Review status: criteria provided, single submitter. Criteria: Invitae Variant Classification Sherloc (09022015). Collection method: clinical testing. Allele origin: germline.
Comment: This sequence change replaces glycine, which is neutral and non-polar, with aspartic acid, which is acidic and polar, at codon 784 of the NPR2 protein (p.Gly784Asp). This variant is present in population databases (rs771399009, gnomAD 0.08%). This variant has not been reported in the literature in individuals affected with NPR2-related conditions. ClinVar contains an entry for this variant (Variation ID: 913005). Advanced modeling of protein sequence and biophysical properties (such as structural, functional, and spatial information, amino acid conservation, physicochemical variation, residue mobility, and thermodynamic stability) performed at Invitae indicates that this missense variant is not expected to disrupt NPR2 protein function with a negative predictive value of 80%. In summary, the available evidence is currently insufficient to determine the role of this variant in disease. Therefore, it has been classified as a Variant of Uncertain Significance.

Illumina Laboratory Services, Illumina
Classification: Uncertain significance for Acromesomelic dysplasia 1, Maroteaux type. Last evaluated: 2018-01-12. Review status: criteria provided, single submitter. Criteria: ICSL Variant Classification Criteria 13 December 2019. Collection method: clinical testing. Allele origin: germline.